The following is an entry in ClinVar:

ClinVar aggregate classification (germline): Uncertain significance (1 of 4 stars; one submission).

Conditions:
Intellectual developmental disorder with or without epilepsy or cerebellar ataxia. Identifiers: MedGen C4748041, MONDO:0060745, OMIM 618060.

Submission:

Institute of Human Genetics, University of Leipzig Medical Center
Classification: Uncertain significance for Intellectual developmental disorder with or without epilepsy or cerebellar ataxia. Last evaluated: 2026-07-06. Review status: criteria provided, single submitter. Criteria: ACMG Guidelines, 2015. Collection method: clinical testing. Allele origin: maternal. Inheritance: Autosomal dominant inheritance. Affected: yes.
Comment: Criteria applied: PM2,PP2,PP3

NM_134261.3(RORA):c.1487C>A (p.Pro496Gln)

Genes: RORA (RAR related orphan receptor A; minus strand), RORA-AS1 (RORA antisense RNA 1; plus strand). Cytogenetic location: 15q22.2.
Variant type: single nucleotide variant.
Coding change: c.1487C>A on transcript NM_134261.3 (MANE Select); coding-DNA position 1487, C replaced by A.
Protein change: p.Pro496Gln; replaces proline 496 with glutamine.
Molecular consequence: missense variant.
Genome position (GRCh38, 1-based): chr15:60,497,540, G>T on the plus strand (C>A on the coding strand, the complement: RORA is on the minus strand). VCF-style: chr15-60497540-G-T. GRCh37 (hg19) VCF-style: chr15-60789739-G-T.
Other names: c.1562C>A, p.Pro521Gln (NM_002943.4); c.1586C>A, p.Pro529Gln (NM_134260.3); c.1322C>A, p.Pro441Gln (NM_134262.3); short protein forms P441Q, P496Q, P521Q, P529Q.
Identifiers: ClinVar variation 4890708 (VCV004890708.1).